The following is an entry in ClinVar:

ClinVar aggregate classification (germline): Uncertain significance. Review status: criteria provided, multiple submitters, no conflicts (2 of 4 stars). 3 submissions from 3 submitters: Uncertain significance (3). Last evaluated 2026-03-01.

Allele frequency attached by ClinVar (database versions not stated): gnomAD 0.00002 and 0.00003; TOPMed 0.00002; gnomAD exomes 0.00003 and 0.00004; ExAC 0.00005; ESP Exome Variant Server 0.00008; 1000 Genomes Project 30x 0.00016; 1000 Genomes Project 0.00020.
gnomAD v4.1: 52 of 1,613,312 alleles (0.0032%); highest among the groups gnomAD compares: South Asian, 0.0055%; no homozygotes.

Submissions (3):

CeGaT Center for Human Genetics Tuebingen
Classification: Uncertain significance. Last evaluated: 2026-03-01. Review status: criteria provided, single submitter. Criteria: CeGaT Center For Human Genetics Tuebingen Variant Classification Criteria Version 2. Collection method: clinical testing. Allele origin: germline. Affected: yes. Observed: 1 variant allele.
Comment: PDE6B: PM2, PM3:Supporting, BP2, BP4

Labcorp Genetics (formerly Invitae), Labcorp
Classification: Uncertain significance. Last evaluated: 2026-01-06. Review status: criteria provided, single submitter. Criteria: Invitae Variant Classification Sherloc (09022015). Collection method: clinical testing. Allele origin: germline.
Comment: This sequence change replaces alanine, which is neutral and non-polar, with valine, which is neutral and non-polar, at codon 58 of the PDE6B protein (p.Ala58Val). This variant is present in population databases (rs200898108, gnomAD 0.006%). This missense change has been observed in individual(s) with retinitis pigmentosa (PMID: 26667666). ClinVar contains an entry for this variant (Variation ID: 938517). Invitae Evidence Modeling of protein sequence and biophysical properties (such as structural, functional, and spatial information, amino acid conservation, physicochemical variation, residue mobility, and thermodynamic stability) indicates that this missense variant is not expected to disrupt PDE6B protein function with a negative predictive value of 95%. In summary, the available evidence is currently insufficient to determine the role of this variant in disease. Therefore, it has been classified as a Variant of Uncertain Significance.

Blueprint Genetics
Classification: Uncertain significance. Last evaluated: 2024-01-15. Review status: criteria provided, single submitter. Criteria: ACMG Guidelines, 2015. Collection method: clinical testing. Allele origin: germline.

Literature cited by the submitters: PubMed 26667666 (cited by Labcorp Genetics (formerly Invitae), Labcorp).

NM_000283.4(PDE6B):c.173C>T (p.Ala58Val)

Gene: PDE6B (phosphodiesterase 6B; plus strand). Cytogenetic location: 4p16.3.
Variant type: single nucleotide variant.
Coding change: c.173C>T on transcript NM_000283.4 (MANE Select); coding-DNA position 173, C replaced by T.
Protein change: p.Ala58Val; replaces alanine 58 with valine.
Molecular consequence: missense variant.
Genome position (GRCh38, 1-based): chr4:625,799, C>T. VCF-style: chr4-625799-C-T. GRCh37 (hg19) VCF-style: chr4-619588-C-T.
Other names: c.173C>T, p.Ala58Val (NM_001145291.2); short protein forms A58V.
Identifiers: ClinVar variation 938517 (VCV000938517.15), dbSNP rs200898108, ClinGen allele CA2793863.